The following is an entry in ClinVar:

ClinVar aggregate classification (germline): Uncertain significance (1 of 4 stars; one submission).

Allele frequency attached by ClinVar (database versions not stated): gnomAD exomes below 0.00001.
gnomAD v4.1: 4 of 1,613,782 alleles (0.00025%); highest among the groups gnomAD compares: South Asian, 0.0044%; no homozygotes.

Submission:

Labcorp Genetics (formerly Invitae), Labcorp
Classification: Uncertain significance. Last evaluated: 2021-06-13. Review status: criteria provided, single submitter. Criteria: Invitae Variant Classification Sherloc (09022015). Collection method: clinical testing. Allele origin: germline.
Comment: In summary, the available evidence is currently insufficient to determine the role of this variant in disease. Therefore, it has been classified as a Variant of Uncertain Significance. Algorithms developed to predict the effect of missense changes on protein structure and function are either unavailable or do not agree on the potential impact of this missense change (SIFT: "Deleterious"; PolyPhen-2: "Probably Damaging"; Align-GVGD: "Class C0"). This variant has not been reported in the literature in individuals with PLD1-related conditions. This variant is not present in population databases (ExAC no frequency). This sequence change replaces phenylalanine with leucine at codon 664 of the PLD1 protein (p.Phe664Leu). The phenylalanine residue is highly conserved and there is a small physicochemical difference between phenylalanine and leucine.

NM_002662.5(PLD1):c.1990T>C (p.Phe664Leu)

Gene: PLD1 (phospholipase D1; minus strand). Cytogenetic location: 3q26.31.
Variant type: single nucleotide variant.
Coding change: c.1990T>C on transcript NM_002662.5 (MANE Select); coding-DNA position 1990, T replaced by C.
Protein change: p.Phe664Leu; replaces phenylalanine 664 with leucine.
Molecular consequence: missense variant.
Genome position (GRCh38, 1-based): chr3:171,677,572, A>G on the plus strand (T>C on the coding strand, the complement: PLD1 is on the minus strand). VCF-style: chr3-171677572-A-G. GRCh37 (hg19) VCF-style: chr3-171395362-A-G.
Other names: c.1876T>C, p.Phe626Leu (NM_001130081.3); short protein forms F664L, F626L.
Identifiers: ClinVar variation 1384444 (VCV001384444.6), dbSNP rs1442508464, ClinGen allele CA355496690.
Genomic context (GRCh38, chr3:171,677,572, plus strand): 5'-TGTTCAAAGGTAAAAGACAAAATATAACCAGCACCCCACCATTATGATACTCACCAGCAA[A>G]AGGTTTATCAAGTTGAACCCAGTCTTTGAAGACGAAATTGCAGTAGTCCTTTCCATGCCA-3'
Protein context (NP_002653.1, residues 654-674): FKDWVQLDKP[Phe664Leu]ADFIDRYSTP